The following is an entry in ClinVar:

NM_004817.4(TJP2):c.464_473del (p.Gly154_Tyr155insTer)

Gene: TJP2 (tight junction protein 2; plus strand). Cytogenetic location: 9q21.11.
Variant type: Deletion.
Coding change: c.464_473del on transcript NM_004817.4 (MANE Select); coding-DNA positions 464 to 473, 10 bases deleted (ACAGCGAGAG; older notation c.464_473delACAGCGAGAG).
Protein change: p.Gly154_Tyr155insTer.
Molecular consequence: nonsense.
Genome position (GRCh38, 1-based): chr9:69,221,008-69,221,017, ACAGCGAGAG deleted. VCF-style (leftmost placement, unchanged base first): chr9-69221007-TACAGCGAGAG-T. GRCh37 (hg19) VCF-style: chr9-71835923-TACAGCGAGAG-T.
Other names: c.395_404del, p.Gly131_Tyr132insTer (NM_001170414.2, NM_001369870.1, NM_001369871.1); c.476_485del, p.Gly158_Tyr159insTer (NM_001170415.1, NM_001369874.1, NM_001369875.1); c.557_566del, p.Gly185_Tyr186insTer (NM_001170416.2); c.464_473del, p.Gly154_Tyr155insTer (NM_001369872.1, NM_001369873.1, NM_201629.3).
Identifiers: ClinVar variation 1075756 (VCV001075756.7), dbSNP rs2133270267, ClinGen allele CA2499219936.

ClinVar aggregate classification (germline): Pathogenic (1 of 4 stars; one submission).

Submission:

Labcorp Genetics (formerly Invitae), Labcorp
Classification: Pathogenic. Last evaluated: 2017-12-01. Review status: criteria provided, single submitter. Criteria: Invitae Variant Classification Sherloc (09022015). Collection method: clinical testing. Allele origin: germline.
Comment: Loss-of-function variants in TJP2 are known to be pathogenic (PMID: 24614073, 25921221). This variant has not been reported in the literature in individuals with TJP2-related disease. This variant is not present in population databases (ExAC no frequency). This sequence change creates a premature translational stop signal (p.Tyr155*) in the TJP2 gene. It is expected to result in an absent or disrupted protein product. For these reasons, this variant has been classified as Pathogenic.

Literature cited by the submitters: PubMed 24614073; PubMed 25921221.